The following is an entry in ClinVar:

NM_000133.4(F9):c.277+1G>T

Gene: F9 (coagulation factor IX; plus strand). Cytogenetic location: Xq27.1.
Variant type: single nucleotide variant.
Coding change: c.277+1G>T on transcript NM_000133.4 (MANE Select); the canonical splice donor site of the intron after coding-DNA position 277, G replaced by T.
Molecular consequence: splice donor variant.
Genome position (GRCh38, 1-based): chrX:139,537,387, G>T. VCF-style: chrX-139537387-G-T. GRCh37 (hg19) VCF-style: chrX-138619546-G-T.
Other names: c.277+1G>T (NM_001313913.2).
Identifiers: ClinVar variation 2629602 (VCV002629602.1), dbSNP rs1224128266, ClinGen allele CA414436686.

ClinVar aggregate classification (germline): Pathogenic (1 of 4 stars; one submission).

Conditions:
F9-related disorder. Also called: F9-related condition.

Submission:

PreventionGenetics, part of Exact Sciences
Classification: Pathogenic for F9-related condition. Last evaluated: 2023-01-16. Review status: criteria provided, single submitter. Criteria: ACMG Guidelines, 2015. Collection method: clinical testing. Allele origin: germline.
Comment: The F9 c.277+1G>T variant is predicted to disrupt the GT donor site and interfere with normal splicing. This variant and other different variants at this site (c.277+1G>A and c.277+1G>C) have been reported in individuals with hemophilia B (Li et al. 2014. PubMed ID: 24375831; F9 database). This variant has not been reported in a large population database, indicating this variant is rare. Variants that disrupt the consensus splice donor site in F9 are expected to be pathogenic. This variant is interpreted as pathogenic.